The following is an entry in ClinVar:

NM_002834.5(PTPN11):c.1726A>G (p.Ser576Gly)

Gene: PTPN11 (protein tyrosine phosphatase non-receptor type 11; plus strand). Cytogenetic location: 12q24.13.
Variant type: single nucleotide variant.
Coding change: c.1726A>G on transcript NM_002834.5 (MANE Select); coding-DNA position 1726, A replaced by G.
Protein change: p.Ser576Gly; replaces serine 576 with glycine.
Molecular consequence: missense variant.
Genome position (GRCh38, 1-based): chr12:112,504,708, A>G. VCF-style: chr12-112504708-A-G. GRCh37 (hg19) VCF-style: chr12-112942512-A-G.
Other names: c.1738A>G, p.Ser580Gly (NM_001330437.2); c.1723A>G, p.Ser575Gly (NM_001374625.1); short protein forms S575G, S576G, S580G.
Identifiers: ClinVar variation 4614771 (VCV004614771.1).

ClinVar aggregate classification (germline): Uncertain significance (1 of 4 stars; one submission).

Conditions:
Cardiovascular phenotype. Identifiers: MedGen CN230736.

Submission:

Ambry Genetics
Classification: Uncertain significance for Cardiovascular phenotype. Last evaluated: 2025-10-23. Review status: criteria provided, single submitter. Criteria: Ambry Variant Classification Scheme 2023. Collection method: clinical testing. Allele origin: germline.
Comment: The p.S576G variant (also known as c.1726A>G), located in coding exon 15 of the PTPN11 gene, results from an A to G substitution at nucleotide position 1726. The serine at codon 576 is replaced by glycine, an amino acid with similar properties. This amino acid position is conserved. In addition, this alteration is predicted to be tolerated by in silico analysis. Based on the available evidence, the clinical significance of this variant remains unclear.